The following is an entry in ClinVar:

ClinVar aggregate classification (germline): Uncertain significance (1 of 4 stars; one submission).

Conditions:
Primary ciliary dyskinesia. Also called: Ciliary dyskinesia. Identifiers: Orphanet 244, MedGen C0008780, MONDO:0016575, HP:0012265.

Submission:

Labcorp Genetics (formerly Invitae), Labcorp
Classification: Uncertain significance for Primary ciliary dyskinesia. Last evaluated: 2024-03-16. Review status: criteria provided, single submitter. Criteria: Invitae Variant Classification Sherloc (09022015). Collection method: clinical testing. Allele origin: germline.
Comment: This sequence change replaces isoleucine, which is neutral and non-polar, with leucine, which is neutral and non-polar, at codon 310 of the RPGR protein (p.Ile310Leu). This variant is not present in population databases (gnomAD no frequency). This variant has not been reported in the literature in individuals affected with RPGR-related conditions. Advanced modeling of protein sequence and biophysical properties (such as structural, functional, and spatial information, amino acid conservation, physicochemical variation, residue mobility, and thermodynamic stability) performed at Invitae indicates that this missense variant is not expected to disrupt RPGR protein function with a negative predictive value of 95%. In summary, the available evidence is currently insufficient to determine the role of this variant in disease. Therefore, it has been classified as a Variant of Uncertain Significance.

NM_001034853.2(RPGR):c.928A>T (p.Ile310Leu)

Gene: RPGR (retinitis pigmentosa GTPase regulator; minus strand). Cytogenetic location: Xp11.4.
Variant type: single nucleotide variant.
Coding change: c.928A>T on transcript NM_001034853.2 (MANE Select); coding-DNA position 928, A replaced by T.
Protein change: p.Ile310Leu; replaces isoleucine 310 with leucine.
Molecular consequence: missense variant. On other transcripts: non-coding transcript variant (5).
Genome position (GRCh38, 1-based): chrX:38,304,641, T>A on the plus strand (A>T on the coding strand, the complement: RPGR is on the minus strand). VCF-style: chrX-38304641-T-A. GRCh37 (hg19) VCF-style: chrX-38163894-T-A.
Other names: c.928A>T, p.Ile310Leu (NM_000328.3, NM_001367246.1, NM_001367247.1 and 1 more transcripts); c.925A>T, p.Ile309Leu (NM_001367245.1, NM_001367249.1, NM_001367250.1); c.958A>T, p.Ile320Leu (NM_001367248.1); short protein forms I310L, I320L, I309L.
Identifiers: ClinVar variation 3646235 (VCV003646235.2).